The following is an entry in ClinVar:

ClinVar aggregate classification (germline): Uncertain significance. Review status: criteria provided, multiple submitters, no conflicts (2 of 4 stars). 4 submissions from 4 submitters: Uncertain significance (3). 1 of the submissions does not count toward it. Last evaluated 2024-01-03.

Conditions:
RTTN-related disorder. Also called: RTTN-related condition.
Inborn genetic diseases. Identifiers: MedGen C0950123, MeSH D030342.

Allele frequency attached by ClinVar (database versions not stated): gnomAD 0.00038 and 0.00041; TOPMed 0.00043; 1000 Genomes Project 0.00060; 1000 Genomes Project 30x 0.00062; ESP Exome Variant Server 0.00068.
gnomAD v4.1: 104 of 1,559,282 alleles (0.0067%); highest among the groups gnomAD compares: African/African-American, 0.12%; no homozygotes.

Submissions (4):

Ambry Genetics
Classification: Uncertain significance for Inborn genetic diseases. Last evaluated: 2024-01-03. Review status: criteria provided, single submitter. Criteria: Ambry Variant Classification Scheme 2023. Collection method: clinical testing. Allele origin: germline.

Labcorp Genetics (formerly Invitae), Labcorp
Classification: Uncertain significance. Last evaluated: 2023-08-10. Review status: criteria provided, single submitter. Criteria: Invitae Variant Classification Sherloc (09022015). Collection method: clinical testing. Allele origin: germline.
Comment: This sequence change replaces aspartic acid, which is acidic and polar, with alanine, which is neutral and non-polar, at codon 434 of the RTTN protein (p.Asp434Ala). This variant is present in population databases (rs8083708, gnomAD 0.2%). This variant has not been reported in the literature in individuals affected with RTTN-related conditions. ClinVar contains an entry for this variant (Variation ID: 289721). Advanced modeling of protein sequence and biophysical properties (such as structural, functional, and spatial information, amino acid conservation, physicochemical variation, residue mobility, and thermodynamic stability) performed at Invitae indicates that this missense variant is not expected to disrupt RTTN protein function. In summary, the available evidence is currently insufficient to determine the role of this variant in disease. Therefore, it has been classified as a Variant of Uncertain Significance.

Eurofins Ntd Llc (ga)
Classification: Uncertain significance. Last evaluated: 2016-09-01. Review status: criteria provided, single submitter. Criteria: EGL Classification Definitions 2015. Collection method: clinical testing. Allele origin: germline. Observed: 1 variant allele, 1 heterozygote.

PreventionGenetics, part of Exact Sciences
Classification: Likely benign for RTTN-related condition. Last evaluated: 2023-06-05. Review status: no assertion criteria provided. Collection method: clinical testing. Allele origin: germline. Not counted in ClinVar's aggregate classification.
Comment: This variant is classified as likely benign based on ACMG/AMP sequence variant interpretation guidelines (Richards et al. 2015 PMID: 25741868, with internal and published modifications).

NM_173630.4(RTTN):c.1301A>C (p.Asp434Ala)

Gene: RTTN (rotatin; minus strand). Cytogenetic location: 18q22.2.
Variant type: single nucleotide variant.
Coding change: c.1301A>C on transcript NM_173630.4 (MANE Select); coding-DNA position 1301, A replaced by C.
Protein change: p.Asp434Ala; replaces aspartic acid 434 with alanine.
Molecular consequence: missense variant. On other transcripts: 5 prime UTR variant (1).
Genome position (GRCh38, 1-based): chr18:70,188,112, T>G on the plus strand (A>C on the coding strand, the complement: RTTN is on the minus strand). VCF-style: chr18-70188112-T-G. GRCh37 (hg19) VCF-style: chr18-67855348-T-G.
Other names: c.-1253A>C (NM_001318520.2); c.1301A>C (NM_173630.3); short protein forms D434A.
Identifiers: ClinVar variation 289721 (VCV000289721.11), dbSNP rs8083708, ClinGen allele CA8996227.
Genomic context (GRCh38, chr18:70,188,112, plus strand): 5'-ACCAAAATCTTAAAAAATACTATTCCCTATATCCCAAAGAAAACATTGATTCTTACCATA[T>G]CTATACCAAAAAGGCTGCTGTCATCCCAGATATCTGTTGAAATTGCTTCACCAATAAGTG-3'
Protein context (NP_775901.3, residues 424-444): IWDDSSLFGI[Asp434Ala]MKEKLLLVLG